The following is an entry in ClinVar:

NM_017646.6(TRIT1):c.1018del (p.Ile340fs)

Gene: TRIT1 (tRNA isopentenyltransferase 1; minus strand). Cytogenetic location: 1p34.2.
Variant type: Deletion.
Coding change: c.1018del on transcript NM_017646.6 (MANE Select); coding-DNA position 1018, one base deleted (A; older notation c.1018delA).
Protein change: p.Ile340fs; shifts the reading frame from isoleucine 340.
Molecular consequence: frameshift variant.
Genome position (GRCh38, 1-based): chr1:39,844,629, T deleted on the plus strand (A on the coding strand, the reverse complement: TRIT1 is on the minus strand). VCF-style (leftmost placement, unchanged base first): chr1-39844628-AT-A. GRCh37 (hg19) VCF-style: chr1-40310300-AT-A.
Other names: c.940delA, p.Ile314Leufs (NM_001312691.2); c.772delA, p.Ile258Leufs (NM_001312692.2); short protein forms I258fs, I314fs, I340fs.
Identifiers: ClinVar variation 2630416 (VCV002630416.1), dbSNP rs1642122631, ClinGen allele CA1164142537.
Genomic context (GRCh38, chr1:39,844,628, plus strand): 5'-AGAACAGACTCTTCCCACTTCGAGACATCAGATACCTCTAAGCCATAGACAGGGGGGACA[AT>A]GGGACCAGGTCCTAATGATGACAAAGAAAGGTTGTGAGAGGTCAGCCTCAAACCCAATCT-3'

ClinVar aggregate classification (germline): Likely pathogenic (1 of 4 stars; one submission).

Conditions:
TRIT1-related disorder. Also called: TRIT1-related condition.

Allele frequency attached by ClinVar (database versions not stated): gnomAD exomes below 0.00001; TOPMed below 0.00001.

Submission:

PreventionGenetics, part of Exact Sciences
Classification: Likely pathogenic for TRIT1-related condition. Last evaluated: 2023-02-07. Review status: criteria provided, single submitter. Criteria: ACMG Guidelines, 2015. Collection method: clinical testing. Allele origin: germline.
Comment: The TRIT1 c.1018delA variant is predicted to result in a frameshift and premature protein termination (p.Ile340Leufs*8). To our knowledge, this variant has not been reported in the literature or in a large population database, indicating this variant is rare. Frameshift variants in TRIT1 are expected to be pathogenic. This variant is interpreted as likely pathogenic.